The following is an entry in ClinVar:

ClinVar aggregate classification (germline): Conflicting classifications of pathogenicity. Review status: criteria provided, conflicting classifications (1 of 4 stars). 3 submissions from 3 submitters: Uncertain significance (1); Likely benign (1). 1 of the submissions does not count toward it. Last evaluated 2025-10-14.

Conditions:
Worth disease. Also called: ENDOSTEAL HYPEROSTOSIS, AUTOSOMAL DOMINANT; OSTEOSCLEROSIS, AUTOSOMAL DOMINANT; Autosomal dominant osteosclerosis, Worth type. Identifiers: Orphanet 2790, MedGen C0432273, MONDO:0007764, OMIM 144750.
Bone mineral density quantitative trait locus 1 (BMND1). Identifiers: MedGen C1866079, OMIM 601884.
Osteoporosis with pseudoglioma (OPPG). Also called: osteoporosis-pseudoglioma syndrome. Identifiers: Orphanet 2788, MedGen C0432252, MONDO:0009820, OMIM 259770.
Polycystic liver disease 4 with or without kidney cysts. Identifiers: MedGen C4693479, MONDO:0044327, OMIM 617875.
Exudative vitreoretinopathy 4 (EVR4). Identifiers: Orphanet 891, MedGen C1866176, MONDO:0011151, OMIM 601813.
Autosomal dominant osteopetrosis 1 (OPTA1). Also called: OSTEOPETROSIS, AUTOSOMAL DOMINANT, TYPE I. Identifiers: Orphanet 2783, MedGen C1843330, MONDO:0011877, OMIM 607634.
LRP5-related disorder. Also called: LRP5-related condition.

Allele frequency attached by ClinVar (database versions not stated): gnomAD 0.00001; gnomAD exomes 0.00001; TOPMed 0.00001; ExAC 0.00002.
gnomAD v4.1: 15 of 1,612,820 alleles (0.00093%); highest among the groups gnomAD compares: South Asian, 0.012%; no homozygotes.

Submissions (3):

Labcorp Genetics (formerly Invitae), Labcorp
Classification: Likely benign. Last evaluated: 2025-10-14. Review status: criteria provided, single submitter. Criteria: Invitae Variant Classification Sherloc (09022015). Collection method: clinical testing. Allele origin: germline.

Fulgent Genetics
Classification: Uncertain significance for Worth disease; Osteoporosis with pseudoglioma; Exudative vitreoretinopathy 4; Bone mineral density quantitative trait locus 1; Autosomal dominant osteopetrosis 1; Polycystic liver disease 4 with or without kidney cysts. Last evaluated: 2024-03-30. Review status: criteria provided, single submitter. Criteria: ACMG Guidelines, 2015. Collection method: clinical testing. Allele origin: germline.

PreventionGenetics, part of Exact Sciences
Classification: Likely benign for LRP5-related condition. Last evaluated: 2024-05-24. Review status: no assertion criteria provided. Collection method: clinical testing. Allele origin: germline. Not counted in ClinVar's aggregate classification.
Comment: This variant is classified as likely benign based on ACMG/AMP sequence variant interpretation guidelines (Richards et al. 2015 PMID: 25741868, with internal and published modifications).

NM_002335.4(LRP5):c.3459C>T (p.Asn1153=)

Gene: LRP5 (LDL receptor related protein 5; plus strand). Cytogenetic location: 11q13.2.
Variant type: single nucleotide variant.
Coding change: c.3459C>T on transcript NM_002335.4 (MANE Select); coding-DNA position 3459, C replaced by T.
Protein change: p.Asn1153=; no amino-acid change (asparagine 1153 retained).
Molecular consequence: synonymous variant.
Genome position (GRCh38, 1-based): chr11:68,426,009, C>T. VCF-style: chr11-68426009-C-T. GRCh37 (hg19) VCF-style: chr11-68193477-C-T.
Other names: c.1716C>T, p.Asn572= (NM_001291902.2); c.3459C>T (NM_002335.3).
Identifiers: ClinVar variation 2968589 (VCV002968589.5), dbSNP rs763601638, ClinGen allele CA6150005.